The following is an entry in ClinVar:

ClinVar aggregate classification (germline): Conflicting classifications of pathogenicity. Review status: criteria provided, conflicting classifications (1 of 4 stars). 2 submissions from 2 submitters: Uncertain significance (1); Likely benign (1). Last evaluated 2024-09-11.

Conditions:
Joubert syndrome. Also called: Familial aplasia of the vermis; CEREBELLOPARENCHYMAL DISORDER IV; JOUBERT-BOLTSHAUSER SYNDROME. Identifiers: Orphanet 475, MedGen C5979921, MONDO:0018772.
Meckel-Gruber syndrome. Also called: Dysencephalia splachnocystica; DYSENCEPHALIA SPLANCHNOCYSTICA; GRUBER SYNDROME. Identifiers: Orphanet 564, MedGen C0265215, MONDO:0018921.
COACH syndrome 1. Identifiers: Orphanet 1454, MedGen C5435651, MONDO:0800103, OMIM 216360, MONDO:0008996.

Allele frequency attached by ClinVar (database versions not stated): gnomAD exomes below 0.00001; TOPMed below 0.00001; gnomAD 0.00001.
gnomAD v4.1: 3 of 1,603,064 alleles (0.00019%); highest among the groups gnomAD compares: Admixed American, 0.0017%; no homozygotes.

Submissions (2):

Labcorp Genetics (formerly Invitae), Labcorp
Classification: Likely benign for Joubert syndrome; Meckel-Gruber syndrome. Last evaluated: 2024-09-11. Review status: criteria provided, single submitter. Criteria: Invitae Variant Classification Sherloc (09022015). Collection method: clinical testing. Allele origin: germline.

Baylor Genetics
Classification: Uncertain significance for COACH syndrome 1. Last evaluated: 2018-03-20. Review status: criteria provided, single submitter. Criteria: ACMG Guidelines, 2015. Collection method: clinical testing. Allele origin: paternal. Affected: yes.
Comment: This variant was determined to be of uncertain significance according to ACMG Guidelines, 2015 [PMID:25741868].

NM_015272.5(RPGRIP1L):c.3220+17A>C

Gene: RPGRIP1L (RPGRIP1 like; minus strand). Cytogenetic location: 16q12.2.
Variant type: single nucleotide variant.
Coding change: c.3220+17A>C on transcript NM_015272.5 (MANE Select); 17 bases into the intron after coding-DNA position 3220, A replaced by C.
Molecular consequence: intron variant.
Genome position (GRCh38, 1-based): chr16:53,637,678, T>G on the plus strand (A>C on the coding strand, the complement: RPGRIP1L is on the minus strand). VCF-style: chr16-53637678-T-G. GRCh37 (hg19) VCF-style: chr16-53671590-T-G.
Other names: c.3118+17A>C (NM_001127897.4, NM_001330538.2); c.3220+17A>C (NM_001308334.3).
Identifiers: ClinVar variation 1032671 (VCV001032671.9), dbSNP rs1204073957, ClinGen allele CA721639044.
Genomic context (GRCh38, chr16:53,637,678, plus strand): 5'-TTCTATGATGCATACTCTAACAGATAAAACAAAGCACAGGGTTAACTAAACAATGTTAGT[T>G]TAAATAAGAAAGTCACCTTCTGGTTCCAAGTCCTCTGTTATTTCTGTTTCATCTTCAGAA-3'